The following is an entry in ClinVar:

ClinVar aggregate classification (germline): Uncertain significance (1 of 4 stars; one submission).

Conditions:
KMT2A-related disorder. Also called: KMT2A-related condition.

Allele frequency attached by ClinVar (database versions not stated): gnomAD 0.00001.
gnomAD v4.1: 2 of 1,612,420 alleles (0.00012%); highest among the groups gnomAD compares: South Asian, 0.0022%; no homozygotes.

Submission:

PreventionGenetics, part of Exact Sciences
Classification: Uncertain significance for KMT2A-related condition. Last evaluated: 2023-01-05. Review status: criteria provided, single submitter. Criteria: ACMG Guidelines, 2015. Collection method: clinical testing. Allele origin: germline.
Comment: The KMT2A c.3182C>A variant is predicted to result in the amino acid substitution p.Thr1061Asn. To our knowledge, this variant has not been reported in the literature or in a large population database, indicating this variant is rare. At this time, the clinical significance of this variant is uncertain due to the absence of conclusive functional and genetic evidence.

NM_001197104.2(KMT2A):c.3182C>A (p.Thr1061Asn)

Gene: KMT2A (lysine methyltransferase 2A; plus strand). Cytogenetic location: 11q23.3.
Variant type: single nucleotide variant.
Coding change: c.3182C>A on transcript NM_001197104.2 (MANE Select); coding-DNA position 3182, C replaced by A.
Protein change: p.Thr1061Asn; replaces threonine 1061 with asparagine.
Molecular consequence: missense variant.
Genome position (GRCh38, 1-based): chr11:118,476,830, C>A. VCF-style: chr11-118476830-C-A. GRCh37 (hg19) VCF-style: chr11-118347545-C-A.
Other names: c.3281C>A, p.Thr1094Asn (NM_001412597.1); c.3182C>A, p.Thr1061Asn (NM_005933.4); short protein forms T1061N, T1094N.
Identifiers: ClinVar variation 2630055 (VCV002630055.1), dbSNP rs1950046787, ClinGen allele CA382823623.